The following is an entry in ClinVar:

NM_000110.4(DPYD):c.520C>A (p.Pro174Thr)

Gene: DPYD (dihydropyrimidine dehydrogenase; minus strand). Cytogenetic location: 1p21.3.
Variant type: single nucleotide variant.
Coding change: c.520C>A on transcript NM_000110.4 (MANE Select); coding-DNA position 520, C replaced by A.
Protein change: p.Pro174Thr; replaces proline 174 with threonine.
Molecular consequence: missense variant.
Genome position (GRCh38, 1-based): chr1:97,699,511, G>T on the plus strand (C>A on the coding strand, the complement: DPYD is on the minus strand). VCF-style: chr1-97699511-G-T. GRCh37 (hg19) VCF-style: chr1-98165067-G-T.
Other names: short protein forms P174T.
Identifiers: ClinVar variation 4014735 (VCV004014735.1).

ClinVar aggregate classification (germline): Uncertain significance (1 of 4 stars; one submission).

Conditions:
Inborn genetic diseases. Identifiers: MedGen C0950123, MeSH D030342.

gnomAD v4.1: 1 of 1,613,360 alleles (0.000062%); highest among the groups gnomAD compares: African/African-American, 0.0013%; no homozygotes.

Submission:

Ambry Genetics
Classification: Uncertain significance for Inborn genetic diseases. Last evaluated: 2025-04-14. Review status: criteria provided, single submitter. Criteria: Ambry Variant Classification Scheme 2023. Collection method: clinical testing. Allele origin: germline.
Comment: The p.P174T variant (also known as c.520C>A), located in coding exon 6 of the DPYD gene, results from a C to A substitution at nucleotide position 520. The proline at codon 174 is replaced by threonine, an amino acid with highly similar properties. This amino acid position is conserved. In addition, the in silico prediction for this alteration is inconclusive. Based on the available evidence, the clinical significance of this variant remains unclear.